The following is an entry in ClinVar:

ClinVar aggregate classification (germline): Benign/Likely benign. Review status: criteria provided, multiple submitters, no conflicts (2 of 4 stars). 4 submissions from 4 submitters: Benign (2); Likely benign (2). Last evaluated 2026-01-19.

Conditions:
Multiple congenital anomalies-hypotonia-seizures syndrome 3 (MCAHS3). Also called: GLYCOSYLPHOSPHATIDYLINOSITOL BIOSYNTHESIS DEFECT 7. Identifiers: Orphanet 369837, MedGen C3809356, MONDO:0014165, OMIM 615398.

Allele frequency attached by ClinVar (database versions not stated): gnomAD exomes 0.00095 and 0.00232; ExAC 0.00301; ESP Exome Variant Server 0.00884; gnomAD 0.00934 and 0.00999; TOPMed 0.01051; 1000 Genomes Project 0.01098; 1000 Genomes Project 30x 0.01156.
gnomAD v4.1: 2,861 of 1,614,138 alleles (0.18%); highest among the groups gnomAD compares: African/African-American, 3.4%; 43 homozygotes.

Submissions (4):

Labcorp Genetics (formerly Invitae), Labcorp
Classification: Benign for Multiple congenital anomalies-hypotonia-seizures syndrome 3. Last evaluated: 2026-01-19. Review status: criteria provided, single submitter. Criteria: Invitae Variant Classification Sherloc (09022015). Collection method: clinical testing. Allele origin: germline.

Mayo Clinic Laboratories, Mayo Clinic
Classification: Benign. Last evaluated: 2023-04-17. Review status: criteria provided, single submitter. Criteria: ACMG Guidelines, 2015. Collection method: clinical testing. Allele origin: germline. Observed: 3 variant alleles.
Comment: BS1, BS2, BP4

GeneDx
Classification: Likely benign. Last evaluated: 2021-04-20. Review status: criteria provided, single submitter. Criteria: GeneDx Variant Classification Process June 2021. Collection method: clinical testing. Allele origin: germline. Affected: yes.

Breakthrough Genomics
Classification: Likely benign. Review status: criteria provided, single submitter. Criteria: ACMG Guidelines, 2015. Collection method: not provided. Allele origin: germline. Inheritance: Autosomal recessive inheritance. Affected: yes.

NM_015937.6(PIGT):c.1417G>A (p.Ala473Thr)

Gene: PIGT (phosphatidylinositol glycan anchor biosynthesis class T; plus strand). Cytogenetic location: 20q13.12.
Variant type: single nucleotide variant.
Coding change: c.1417G>A on transcript NM_015937.6 (MANE Select); coding-DNA position 1417, G replaced by A.
Protein change: p.Ala473Thr; replaces alanine 473 with threonine.
Molecular consequence: missense variant. On other transcripts: non-coding transcript variant (5).
Genome position (GRCh38, 1-based): chr20:45,424,512, G>A. VCF-style: chr20-45424512-G-A. GRCh37 (hg19) VCF-style: chr20-44053152-G-A.
Other names: p.Ala473Thr; c.1249G>A, p.Ala417Thr (NM_001184728.3); c.1216G>A, p.Ala406Thr (NM_001184729.3); c.1111G>A, p.Ala371Thr (NM_001184730.3); short protein forms A371T, A473T, A406T, A417T.
Identifiers: ClinVar variation 714819 (VCV000714819.14), dbSNP rs36056071, ClinGen allele CA9878257.
Genomic context (GRCh38, chr20:45,424,512, plus strand): 5'-GGCAGCCAGATGGGAACACGGGCCATCTCTCTGCTTCTCTGTAGCCCATCTGTCCTCAGC[G>A]CCCTTGTGCCCAGCATGGTAGCAGCCAAGCCAGTGGACTGGGAAGAGAGTCCCCTCTTCA-3'
Protein context (NP_057021.2, residues 463-483): GFYVSPSVLS[Ala473Thr]LVPSMVAAKP